The following is an entry in ClinVar:

NM_001001557.4(GDF6):c.241C>T (p.Arg81Trp)

Gene: GDF6 (growth differentiation factor 6; minus strand). Cytogenetic location: 8q22.1.
Variant type: single nucleotide variant.
Coding change: c.241C>T on transcript NM_001001557.4 (MANE Select); coding-DNA position 241, C replaced by T.
Protein change: p.Arg81Trp; replaces arginine 81 with tryptophan.
Molecular consequence: missense variant.
Genome position (GRCh38, 1-based): chr8:96,160,452, G>A on the plus strand (C>T on the coding strand, the complement: GDF6 is on the minus strand). VCF-style: chr8-96160452-G-A. GRCh37 (hg19) VCF-style: chr8-97172680-G-A.
Other names: short protein forms R81W.
Identifiers: ClinVar variation 4788405 (VCV004788405.1).

ClinVar aggregate classification (germline): Uncertain significance (1 of 4 stars; one submission).

Conditions:
Klippel-Feil syndrome 1, autosomal dominant (KFS1). Also called: CERVICAL VERTEBRAL FUSION, AUTOSOMAL DOMINANT. Identifiers: Orphanet 2345, MedGen C1861689, MONDO:0007306, OMIM 118100.
Isolated microphthalmia 4. Identifiers: Orphanet 2542, MedGen C2751307, MONDO:0013130, OMIM 613094.
Microphthalmia, isolated, with coloboma 6 (MCOPCB6). Also called: Microphthalmia with coloboma 6, digenic; Microphthalmia with coloboma 6; MICROPHTHALMIA/COLOBOMA 6. Identifiers: Orphanet 98938, MedGen C3150968, MONDO:0013376, OMIM 613703.
Leber congenital amaurosis 17 (LCA17). Identifiers: Orphanet 65, MedGen C3715164, MONDO:0014145, OMIM 615360.

gnomAD v4.1: 5 of 1,613,548 alleles (0.00031%); highest among the groups gnomAD compares: Non-Finnish European, 0.00042%; no homozygotes.

Submission:

Labcorp Genetics (formerly Invitae), Labcorp
Classification: Uncertain significance for Isolated microphthalmia 4; Leber congenital amaurosis 17; Klippel-Feil syndrome 1, autosomal dominant; Microphthalmia, isolated, with coloboma 6. Last evaluated: 2025-11-10. Review status: criteria provided, single submitter. Criteria: Invitae Variant Classification Sherloc (09022015). Collection method: clinical testing. Allele origin: germline.
Comment: This sequence change replaces arginine, which is basic and polar, with tryptophan, which is neutral and slightly polar, at codon 81 of the GDF6 protein (p.Arg81Trp). This variant is present in population databases (rs774264491, gnomAD 0.002%). This variant has not been reported in the literature in individuals affected with GDF6-related conditions. Invitae Evidence Modeling of protein sequence and biophysical properties (such as structural, functional, and spatial information, amino acid conservation, physicochemical variation, residue mobility, and thermodynamic stability) indicates that this missense variant is not expected to disrupt GDF6 protein function with a negative predictive value of 80%. In summary, the available evidence is currently insufficient to determine the role of this variant in disease. Therefore, it has been classified as a Variant of Uncertain Significance.